The following is an entry in ClinVar:

NM_000051.4(ATM):c.4488C>T (p.Asp1496=)

Gene: ATM (ATM serine/threonine kinase; plus strand). Cytogenetic location: 11q22.3.
Variant type: single nucleotide variant.
Coding change: c.4488C>T on transcript NM_000051.4 (MANE Select); coding-DNA position 4488, C replaced by T.
Protein change: p.Asp1496=; no amino-acid change (aspartic acid 1496 retained).
Molecular consequence: synonymous variant.
Genome position (GRCh38, 1-based): chr11:108,292,670, C>T. VCF-style: chr11-108292670-C-T. GRCh37 (hg19) VCF-style: chr11-108163397-C-T.
Other names: c.4488C>T, p.Asp1496= (NM_001351834.2).
Identifiers: ClinVar variation 478984 (VCV000478984.13), dbSNP rs772833802, ClinGen allele CA476674153.
Genomic context (GRCh38, chr11:108,292,670, plus strand): 5'-CTATATTAGGCCTTCTTGTATCATGGATGTGTCATTACGTAGCTTCTCCCTTTGTTGTGA[C>T]TTATTAAGTCAGGTTTGCCAGACAGCCGTGACTTACTGTAAGGATGCTCTAGAAAACCAT-3'
Protein context (NP_000042.3, residues 1486-1506): VSLRSFSLCC[Asp1496=]LLSQVCQTAV

ClinVar aggregate classification (germline): Benign/Likely benign. Review status: criteria provided, multiple submitters, no conflicts (2 of 4 stars). 3 submissions from 3 submitters: Benign (1); Likely benign (2). Last evaluated 2024-09-27.

Conditions:
Hereditary cancer-predisposing syndrome. Also called: Tumor predisposition; Neoplastic Syndromes, Hereditary; Hereditary Cancer Syndrome; Hereditary neoplastic syndrome. Identifiers: Orphanet 140162, MedGen C0027672, MeSH D009386, MONDO:0015356.
Familial cancer of breast. Also called: BREAST CANCER, FAMILIAL; Hereditary breast cancer; hereditary breast carcinoma. Identifiers: Orphanet 227535, MedGen C0346153, MONDO:0016419, OMIM 114480. Disease mechanism: loss of function.
Ataxia-telangiectasia syndrome (AT). Also called: Cerebello-oculocutaneous telangiectasia; Immunodeficiency with ataxia telangiectasia; ATAXIA-TELANGIECTASIA, COMPLEMENTATION GROUP A; Ataxia-telangiectasia, complementation group D; AT, COMPLEMENTATION GROUP C; ATAXIA-TELANGIECTASIA, FRESNO VARIANT. Identifiers: Orphanet 100, MedGen C0004135, MONDO:0008840, OMIM 208900.

gnomAD v4.1: 3 of 1,613,762 alleles (0.00019%); highest among the groups gnomAD compares: Non-Finnish European, 0.00025%; no homozygotes.

Submissions (3):

Labcorp Genetics (formerly Invitae), Labcorp
Classification: Likely benign for Ataxia-telangiectasia syndrome. Last evaluated: 2024-09-27. Review status: criteria provided, single submitter. Criteria: Invitae Variant Classification Sherloc (09022015). Collection method: clinical testing. Allele origin: germline.

Myriad Genetics, Inc.
Classification: Benign for Familial cancer of breast. Last evaluated: 2024-05-20. Review status: criteria provided, single submitter. Criteria: Myriad Autosomal Dominant, Autosomal Recessive and X-Linked Classification Criteria (2023). Collection method: clinical testing. Allele origin: unknown.
Comment: This variant is considered benign. This variant is a silent/synonymous amino acid change and it is not expected to impact splicing.

Ambry Genetics
Classification: Likely benign for Hereditary cancer-predisposing syndrome. Last evaluated: 2016-05-12. Review status: criteria provided, single submitter. Criteria: Ambry Variant Classification Scheme 2023. Collection method: clinical testing. Allele origin: germline.